The following is an entry in ClinVar:

ClinVar aggregate classification (germline): Likely pathogenic. Review status: criteria provided, single submitter (1 of 4 stars). 2 submissions from 2 submitters: Likely pathogenic (1). 1 of the submissions does not count toward it.

Conditions:
Congenital myopathy 4A, autosomal dominant (CMYO4A). Identifiers: MedGen CN178536, MONDO:0800341, OMIM 255310.

Submissions (2):

Kasturba Medical College, Manipal, Kasturba Medical College, Manipal, Manipal Academy of Higher Education, Manipal, India
Classification: Likely pathogenic for Congenital myopathy 4A, autosomal dominant. Review status: criteria provided, single submitter. Criteria: ACMG Guidelines, 2015. Collection method: research. Allele origin: de novo. Inheritance: Autosomal dominant inheritance. Affected: yes. Observed: 1 heterozygote.
Comment: This variant is not observed in homozygous and/or heterozygous state in the gnomAD (v4.1.0) population database and our in-house database of 3717 individuals. In silico prediction tool, MutationTaster predicts that the variant is damaging to TPM3 protein function. The same variant is reported in ClinVar as pathogenic by one submitter (Donkervoort et al., 2015; VCV000235144.3). The clinical features in the proband overlap with congenital myopathy 4A, autosomal dominant.

OMIM
Classification: Pathogenic for CONGENITAL MYOPATHY 4A, AUTOSOMAL DOMINANT. Last evaluated: 2024-07-16. Review status: no assertion criteria provided. Collection method: literature only. Allele origin: germline. Not counted in ClinVar's aggregate classification.

Literature cited by the submitters: PubMed 26418456 (cited by Kasturba Medical College, Manipal, Kasturba Medical College, Manipal, Manipal Academy of Higher Education, Manipal, India and OMIM).

NM_152263.4(TPM3):c.654AGA[1] (p.Glu219del)

Gene: TPM3 (tropomyosin 3; minus strand). Cytogenetic location: 1q21.3.
Variant type: Microsatellite.
Coding change: c.654AGA[1] on transcript NM_152263.4 (MANE Select); one copy of the 3-base unit AGA starting at c.654; the reference has two copies in a row; one copy, 3 bases deleted; also written c.657_659del.
Protein change: p.Glu219del; deletes glutamic acid 219.
Molecular consequence: inframe deletion. On other transcripts: non-coding transcript variant (1), intron variant (1).
Genome position (GRCh38, 1-based): chr1:154,170,695-154,170,697, TCT deleted on the plus strand (AGA on the coding strand, the reverse complement: TPM3 is on the minus strand); deleting any 3 consecutive bases within chr1:154,170,695-154,170,701 gives the same sequence; the position shown is the placement nearest the transcript's 3' end. VCF-style (leftmost placement, unchanged base first): chr1-154170694-ATCT-A. GRCh37 (hg19) VCF-style: chr1-154143170-ATCT-A.
Other names: c.543AGA[1], p.Glu182del (NM_001043351.2, NM_001043352.2, NM_001043353.2 and 4 more transcripts); c.345AGA[1], p.Glu116del (NM_001278188.2); c.273AGA[1], p.Glu92del (NM_001278191.2); c.654AGA[1], p.Glu219del (NM_001364679.2, NM_001364680.2, NM_001364681.2 and 1 more transcripts); c.532-228_532-226del (NM_001278190.2); c.657_659del (NM_152263.4); short protein forms E182del, E219del, E92del, E116del.
Identifiers: ClinVar variation 235144 (VCV000235144.4), dbSNP rs876661407, ClinGen allele CA10581233.